The following is an entry in ClinVar:

ClinVar aggregate classification (germline): Likely benign. Review status: criteria provided, multiple submitters, no conflicts (2 of 4 stars). 2 submissions from 2 submitters: Likely benign (2). Last evaluated 2026-06-28.

Conditions:
NBEA-related disorder. Also called: NBEA-related condition.

gnomAD v4.1: 45 of 1,575,152 alleles (0.0029%); highest among the groups gnomAD compares: Admixed American, 0.029%; no homozygotes.

Submissions (2):

PreventionGenetics, part of Exact Sciences
Classification: Likely benign for NBEA-related condition. Last evaluated: 2026-06-28. Review status: criteria provided, single submitter. Criteria: ACMG Guidelines, 2015. Collection method: clinical testing. Allele origin: germline.
Comment: This variant is classified as likely benign based on ACMG/AMP sequence variant interpretation guidelines (Richards et al. 2015 PMID: 25741868, with internal and published modifications).

CeGaT Center for Human Genetics Tuebingen
Classification: Likely benign. Last evaluated: 2026-02-01. Review status: criteria provided, single submitter. Criteria: CeGaT Center For Human Genetics Tuebingen Variant Classification Criteria Version 2. Collection method: clinical testing. Allele origin: germline. Affected: yes. Observed: 1 variant allele.
Comment: NBEA: BP4, BP7

NM_001385012.1(NBEA):c.8049T>A (p.Gly2683=)

Gene: NBEA (neurobeachin; plus strand). Cytogenetic location: 13q13.3.
Variant type: single nucleotide variant.
Coding change: c.8049T>A on transcript NM_001385012.1 (MANE Select); coding-DNA position 8049, T replaced by A.
Protein change: p.Gly2683=; no amino-acid change (glycine 2683 retained).
Molecular consequence: synonymous variant.
Genome position (GRCh38, 1-based): chr13:35,654,868, T>A. VCF-style: chr13-35654868-T-A. GRCh37 (hg19) VCF-style: chr13-36229005-T-A.
Other names: c.1365T>A, p.Gly455= (NM_001204197.3); c.8040T>A, p.Gly2680= (NM_001379245.1); c.7986T>A, p.Gly2662= (NM_015678.5); c.7986T>A (NM_015678.4).
Identifiers: ClinVar variation 4822074 (VCV004822074.5).